The following is an entry in ClinVar:

NM_002016.2(FLG):c.440C>T (p.Thr147Ile)

Genes: CCDST (cervical cancer associated DHX9 suppressive transcript; plus strand), FLG (filaggrin; minus strand). Cytogenetic location: 1q21.3.
Variant type: single nucleotide variant.
Coding change: c.440C>T on transcript NM_002016.2 (MANE Select); coding-DNA position 440, C replaced by T.
Protein change: p.Thr147Ile; replaces threonine 147 with isoleucine.
Molecular consequence: missense variant.
Genome position (GRCh38, 1-based): chr1:152,314,446, G>A on the plus strand (C>T on the coding strand, the complement: FLG is on the minus strand). VCF-style: chr1-152314446-G-A. GRCh37 (hg19) VCF-style: chr1-152286922-G-A.
Other names: short protein forms T147I.
Identifiers: ClinVar variation 2257455 (VCV002257455.6), dbSNP rs779997918, ClinGen allele CA1108008.
Genomic context (GRCh38, chr1:152,314,446, plus strand): 5'-GTAGGTGAATATCCTTTTCTTTCTTTTTTTTCAGAACTAGATTCATGCCTTTTCCCCCCT[G>A]TTTCTCTTGGGCTCTTGGATCTTCCCTTATTCCCTTTTCTATTGTTTCTTCTTTCCAGAC-3'
Protein context (NP_002007.1, residues 137-157): NKGRSKSPRE[Thr147Ile]GGKRHESSSE

ClinVar aggregate classification (germline): Uncertain significance. Review status: criteria provided, multiple submitters, no conflicts (2 of 4 stars). 3 submissions from 3 submitters: Uncertain significance (3). Last evaluated 2026-09-04.

Conditions:
Ichthyosis vulgaris. Also called: Dominant ichthyosis vulgaris; ICHTHYOSIS SIMPLEX. Identifiers: MedGen C0079584, MONDO:0024304, OMIM 146700.
Inborn genetic diseases. Identifiers: MedGen C0950123, MeSH D030342.

Allele frequency attached by ClinVar (database versions not stated): ExAC 0.00001; TOPMed 0.00003; gnomAD exomes 0.00004; gnomAD 0.00005.
gnomAD v4.1: 57 of 1,612,426 alleles (0.0035%); highest among the groups gnomAD compares: Non-Finnish European, 0.0048%; no homozygotes.

Submissions (3):

GeneDx
Classification: Uncertain significance. Last evaluated: 2026-09-04. Review status: criteria provided, single submitter. Criteria: GeneDx Variant Classification Process June 2021. Collection method: clinical testing. Allele origin: germline.
Comment: Not observed at significant frequency in large population cohorts (gnomAD); In silico analysis suggests that this missense variant does not alter protein structure/function; Has not been previously published as pathogenic or benign to our knowledge

Genome-Nilou Lab
Classification: Uncertain significance for Ichthyosis vulgaris. Last evaluated: 2023-04-11. Review status: criteria provided, single submitter. Criteria: ACMG Guidelines, 2015. Collection method: clinical testing. Allele origin: germline. Affected: no.

Ambry Genetics
Classification: Uncertain significance for Inborn genetic diseases. Last evaluated: 2021-10-26. Review status: criteria provided, single submitter. Criteria: Ambry Variant Classification Scheme 2023. Collection method: clinical testing. Allele origin: germline.